The following is an entry in ClinVar:

NM_000059.4(BRCA2):c.6314T>G (p.Ile2105Arg)

Gene: BRCA2 (BRCA2 DNA repair associated; plus strand). Cytogenetic location: 13q13.1.
Variant type: single nucleotide variant.
Coding change: c.6314T>G on transcript NM_000059.4 (MANE Select); coding-DNA position 6314, T replaced by G.
Protein change: p.Ile2105Arg; replaces isoleucine 2105 with arginine.
Molecular consequence: missense variant.
Genome position (GRCh38, 1-based): chr13:32,340,669, T>G. VCF-style: chr13-32340669-T-G. GRCh37 (hg19) VCF-style: chr13-32914806-T-G.
Other names: short protein forms I2105R.
Identifiers: ClinVar variation 826319 (VCV000826319.6), dbSNP rs1593908217, ClinGen allele CA387789055.

ClinVar aggregate classification (germline): Conflicting classifications of pathogenicity. Review status: criteria provided, conflicting classifications (1 of 4 stars). 2 submissions from 2 submitters: Uncertain significance (1); Likely benign (1). Last evaluated 2023-03-23.

Conditions:
Hereditary cancer-predisposing syndrome. Also called: Neoplastic Syndromes, Hereditary; Tumor predisposition; Hereditary neoplastic syndrome; Hereditary Cancer Syndrome. Identifiers: Orphanet 140162, MedGen C0027672, MeSH D009386, MONDO:0015356.

Submissions (2):

University of Washington Department of Laboratory Medicine, University of Washington
Classification: Likely benign for Hereditary cancer-predisposing syndrome. Last evaluated: 2023-03-23. Review status: criteria provided, single submitter. Criteria: Dines et al. (Genet Med. 2020). Collection method: curation. Allele origin: germline.
Comment: Missense variant in a coldspot region where missense variants are very unlikely to be pathogenic (PMID:31911673).

BRCA2 exon 11 coldspot. Reclassification based on statistical prior probability.

Ambry Genetics
Classification: Uncertain significance for Hereditary cancer-predisposing syndrome. Last evaluated: 2018-09-21. Review status: criteria provided, single submitter. Criteria: Ambry Variant Classification Scheme 2023. Collection method: clinical testing. Allele origin: germline.
Comment: The p.I2105R variant (also known as c.6314T>G), located in coding exon 10 of the BRCA2 gene, results from a T to G substitution at nucleotide position 6314. The isoleucine at codon 2105 is replaced by arginine, an amino acid with similar properties. This amino acid position is poorly conserved in available vertebrate species. In addition, this alteration is predicted to be tolerated by in silico analysis. Since supporting evidence is limited at this time, the clinical significance of this alteration remains unclear.